The following is an entry in ClinVar:

NM_152383.5(DIS3L2):c.1783C>G (p.His595Asp)

Gene: DIS3L2 (DIS3 like 3'-5' exoribonuclease 2; plus strand). Cytogenetic location: 2q37.1.
Variant type: single nucleotide variant.
Coding change: c.1783C>G on transcript NM_152383.5 (MANE Select); coding-DNA position 1783, C replaced by G.
Protein change: p.His595Asp; replaces histidine 595 with aspartic acid.
Molecular consequence: missense variant. On other transcripts: intron variant (1).
Genome position (GRCh38, 1-based): chr2:232,329,856, C>G. VCF-style: chr2-232329856-C-G. GRCh37 (hg19) VCF-style: chr2-233194566-C-G.
Other names: c.1582-13489C>G (NM_001257281.2); short protein forms H595D.
Identifiers: ClinVar variation 1721810 (VCV001721810.5), dbSNP rs2469434133, ClinGen allele CA350976009.

ClinVar aggregate classification (germline): Uncertain significance (1 of 4 stars; one submission).

Conditions:
Perlman syndrome (PRLMNS). Identifiers: Orphanet 2849, MedGen C0796113, MONDO:0009965, OMIM 267000.

Submission:

Labcorp Genetics (formerly Invitae), Labcorp
Classification: Uncertain significance for Perlman syndrome. Last evaluated: 2022-10-18. Review status: criteria provided, single submitter. Criteria: Invitae Variant Classification Sherloc (09022015). Collection method: clinical testing. Allele origin: germline.
Comment: In summary, the available evidence is currently insufficient to determine the role of this variant in disease. Therefore, it has been classified as a Variant of Uncertain Significance. Advanced modeling of protein sequence and biophysical properties (such as structural, functional, and spatial information, amino acid conservation, physicochemical variation, residue mobility, and thermodynamic stability) performed at Invitae indicates that this missense variant is not expected to disrupt DIS3L2 protein function. This variant has not been reported in the literature in individuals affected with DIS3L2-related conditions. This variant is not present in population databases (gnomAD no frequency). This sequence change replaces histidine, which is basic and polar, with aspartic acid, which is acidic and polar, at codon 595 of the DIS3L2 protein (p.His595Asp).